The following is an entry in ClinVar:

NM_002421.4(MMP1):c.315G>A (p.Gly105=)

Gene: MMP1 (matrix metallopeptidase 1; minus strand). Cytogenetic location: 11q22.2.
Variant type: single nucleotide variant.
Coding change: c.315G>A on transcript NM_002421.4 (MANE Select); coding-DNA position 315, G replaced by A.
Protein change: p.Gly105=; no amino-acid change (glycine 105 retained).
Molecular consequence: synonymous variant.
Genome position (GRCh38, 1-based): chr11:102,797,291, C>T on the plus strand (G>A on the coding strand, the complement: MMP1 is on the minus strand). VCF-style: chr11-102797291-C-T. GRCh37 (hg19) VCF-style: chr11-102668022-C-T.
Other names: c.117G>A, p.Gly39= (NM_001145938.2).
Identifiers: ClinVar variation 403093 (VCV000403093.7), dbSNP rs10488, ClinGen allele CA6250694.

ClinVar aggregate classification (germline): Benign. Review status: criteria provided, multiple submitters, no conflicts (2 of 4 stars). 3 submissions from 3 submitters: Benign (3). Last evaluated 2018-11-12.

Allele frequency attached by ClinVar (database versions not stated): ExAC 0.05837; 1000 Genomes Project 0.07228; 1000 Genomes Project 30x 0.07698; gnomAD 0.08083 and 0.08516; TOPMed 0.08248; ESP Exome Variant Server 0.08313.
gnomAD v4.1: 102,222 of 1,614,104 alleles (6.3%); highest among the groups gnomAD compares: African/African-American, 15%; 3,787 homozygotes.

Submissions (3):

GeneDx
Classification: Benign. Last evaluated: 2018-11-12. Review status: criteria provided, single submitter. Criteria: GeneDx Variant Classification Process June 2021. Collection method: clinical testing. Allele origin: germline. Affected: yes.

Laboratory for Molecular Medicine, Mass General Brigham Personalized Medicine
Classification: Benign. Last evaluated: 2016-03-28. Review status: criteria provided, single submitter. Criteria: LMM Criteria. Collection method: clinical testing. Allele origin: germline.
Comment: Variant identified in a genome or exome case(s) and assessed due to predicted null impact of the variant or pathogenic assertions in the literature or databases. Disclaimer: This variant has not undergone full assessment. The following are preliminary notes: MAF

Breakthrough Genomics
Classification: Benign. Review status: criteria provided, single submitter. Criteria: ACMG Guidelines, 2015. Collection method: not provided. Allele origin: germline. Inheritance: Autosomal recessive inheritance. Affected: yes.